The following is an entry in ClinVar:

NM_000390.4(CHM):c.799C>T (p.Arg267Ter)

Gene: CHM (CHM Rab escort protein; minus strand). Cytogenetic location: Xq21.2.
Variant type: single nucleotide variant.
Coding change: c.799C>T on transcript NM_000390.4 (MANE Select); coding-DNA position 799, C replaced by T.
Protein change: p.Arg267Ter; replaces arginine 267 with a stop codon.
Molecular consequence: nonsense.
Genome position (GRCh38, 1-based): chrX:85,958,881, G>A on the plus strand (C>T on the coding strand, the complement: CHM is on the minus strand). VCF-style: chrX-85958881-G-A. GRCh37 (hg19) VCF-style: chrX-85213886-G-A.
Other names: c.799C>T (LRG_699t1); c.355C>T, p.Arg119Ter (NM_001320959.1, NM_001362517.1, NM_001362518.2 and 1 more transcripts); short protein forms R267*, R119*.
Identifiers: ClinVar variation 279775 (VCV000279775.18), dbSNP rs886041179, ClinGen allele CA10603696.

ClinVar aggregate classification (germline): Pathogenic. Review status: criteria provided, multiple submitters, no conflicts (2 of 4 stars). 7 submissions from 7 submitters: Pathogenic (4). 3 of the submissions do not count toward it. Last evaluated 2023-10-30.

Conditions:
CHM-related disorders.
Retinal dystrophy. Also called: Inherited retinal dystrophy. Identifiers: Orphanet 71862, MedGen C0854723, MeSH D058499, MONDO:0019118, HP:0000556.
Choroideremia. Also called: Chorioretinal scalloped atrophy. Identifiers: Orphanet 180, MedGen C0008525, MONDO:0010557, OMIM 303100, HP:0001139.

Submissions (7):

Labcorp Genetics (formerly Invitae), Labcorp
Classification: Pathogenic. Last evaluated: 2023-10-30. Review status: criteria provided, single submitter. Criteria: Invitae Variant Classification Sherloc (09022015). Collection method: clinical testing. Allele origin: germline.
Comment: This sequence change creates a premature translational stop signal (p.Arg267*) in the CHM gene. It is expected to result in an absent or disrupted protein product. Loss-of-function variants in CHM are known to be pathogenic (PMID: 9067750, 23811034). This variant is not present in population databases (gnomAD no frequency). This premature translational stop signal has been observed in individual(s) with choroideremia (PMID: 9067750, 11139690, 26133251, 27247961, 28098911). ClinVar contains an entry for this variant (Variation ID: 279775). For these reasons, this variant has been classified as Pathogenic.

Institute of Human Genetics, Univ. Regensburg, Univ. Regensburg
Classification: Pathogenic for Retinal dystrophy. Last evaluated: 2023-01-01. Review status: criteria provided, single submitter. Criteria: ACMG Guidelines, 2015. Collection method: clinical testing. Allele origin: germline. Affected: yes.

Blueprint Genetics
Classification: Pathogenic for CHM-related disorders. Last evaluated: 2021-09-27. Review status: criteria provided, single submitter. Criteria: ACMG Guidelines, 2015. Collection method: clinical testing. Allele origin: germline. Affected: yes. Observed: 5 variant alleles.

GeneDx
Classification: Pathogenic. Last evaluated: 2015-08-11. Review status: criteria provided, single submitter. Criteria: GeneDx Variant Classification (06012015). Collection method: clinical testing. Allele origin: germline. Affected: yes.
Comment: The R267X nonsense variant in the CHM gene has been reported previously in association with choroideremia (McTaggart et al., 2002; van den Hurk et al., 1997). This pathogenic variant is predicted to cause loss of normal protein function either through protein truncation or nonsense-mediated mRNA decay. The R267X variant was not observed in approximately 6,500 individuals of European and African American ancestry in the NHLBI Exome Sequencing Project, indicating it is not a common benign variant in these populations

Sharon lab, Hadassah-Hebrew University Medical Center
Classification: Pathogenic for Choroideremia. Last evaluated: 2019-06-23. Review status: no assertion criteria provided. Collection method: research. Allele origin: inherited. Affected: yes. Not counted in ClinVar's aggregate classification.

Clinical Genetics DNA and cytogenetics Diagnostics Lab, Erasmus MC, Erasmus Medical Center
Classification: Pathogenic. Review status: no assertion criteria provided. Collection method: clinical testing. Allele origin: germline. Affected: yes. Study: VKGL Data-share Consensus. Not counted in ClinVar's aggregate classification.

Joint Genome Diagnostic Labs from Nijmegen and Maastricht, Radboudumc and MUMC+
Classification: Pathogenic. Review status: no assertion criteria provided. Collection method: clinical testing. Allele origin: germline. Affected: yes. Study: VKGL Data-share Consensus. Not counted in ClinVar's aggregate classification.

Literature cited by the submitters: PubMed 9067750 (cited by Labcorp Genetics (formerly Invitae), Labcorp and Institute of Human Genetics, Univ. Regensburg, Univ. Regensburg); PubMed 23811034 (cited by Labcorp Genetics (formerly Invitae), Labcorp); PubMed 11139690 (cited by Labcorp Genetics (formerly Invitae), Labcorp); PubMed 26133251 (cited by Labcorp Genetics (formerly Invitae), Labcorp and Institute of Human Genetics, Univ. Regensburg, Univ. Regensburg); PubMed 27247961 (cited by Labcorp Genetics (formerly Invitae), Labcorp); PubMed 28098911 (cited by Labcorp Genetics (formerly Invitae), Labcorp and Institute of Human Genetics, Univ. Regensburg, Univ. Regensburg); PubMed 25525159 (cited by Institute of Human Genetics, Univ. Regensburg, Univ. Regensburg); PubMed 30297895 (cited by Institute of Human Genetics, Univ. Regensburg, Univ. Regensburg); PubMed 31852928 (cited by Institute of Human Genetics, Univ. Regensburg, Univ. Regensburg); PubMed 30689859 (cited by Institute of Human Genetics, Univ. Regensburg, Univ. Regensburg); PubMed 33110609 (cited by Institute of Human Genetics, Univ. Regensburg, Univ. Regensburg); PubMed 31456290 (cited by Institute of Human Genetics, Univ. Regensburg, Univ. Regensburg); PubMed 36460718 (cited by Institute of Human Genetics, Univ. Regensburg, Univ. Regensburg); PubMed 36284460 (cited by Institute of Human Genetics, Univ. Regensburg, Univ. Regensburg).